The following is an entry in ClinVar:

NM_003579.4(RAD54L):c.350C>T (p.Ala117Val)

Gene: RAD54L (RAD54 like; plus strand). Cytogenetic location: 1p34.1.
Variant type: single nucleotide variant.
Coding change: c.350C>T on transcript NM_003579.4 (MANE Select); coding-DNA position 350, C replaced by T.
Protein change: p.Ala117Val; replaces alanine 117 with valine.
Molecular consequence: missense variant. On other transcripts: 5 prime UTR variant (1).
Genome position (GRCh38, 1-based): chr1:46,260,042, C>T. VCF-style: chr1-46260042-C-T. GRCh37 (hg19) VCF-style: chr1-46725714-C-T.
Other names: c.350C>T, p.Ala117Val (NM_001142548.2); c.-191C>T (NM_001370766.1); short protein forms A117V.
Identifiers: ClinVar variation 1732145 (VCV001732145.2), dbSNP rs2525664954, ClinGen allele CA340182371.

ClinVar aggregate classification (germline): Uncertain significance (1 of 4 stars; one submission).

Submission:

Ambry Genetics
Classification: Uncertain significance. Last evaluated: 2022-03-16. Review status: criteria provided, single submitter. Criteria: Ambry Variant Classification Scheme 2023. Collection method: clinical testing. Allele origin: germline.
Comment: The p.A117V variant (also known as c.350C>T), located in coding exon 5 of the RAD54L gene, results from a C to T substitution at nucleotide position 350. The alanine at codon 117 is replaced by valine, an amino acid with similar properties. This amino acid position is conserved. In addition, the in silico prediction for this alteration is inconclusive. Since supporting evidence is limited at this time, the clinical significance of this alteration remains unclear.